The following is an entry in ClinVar:

ClinVar aggregate classification (germline): Benign/Likely benign. Review status: criteria provided, multiple submitters, no conflicts (2 of 4 stars). 4 submissions from 4 submitters: Benign (2); Likely benign (2). Last evaluated 2025-08-15.

Conditions:
Hereditary cancer-predisposing syndrome. Also called: Neoplastic Syndromes, Hereditary; Hereditary neoplastic syndrome; Tumor predisposition; Hereditary Cancer Syndrome. Identifiers: Orphanet 140162, MedGen C0027672, MeSH D009386, MONDO:0015356.
Tuberous sclerosis 1 (TSC1). Identifiers: Orphanet 805, MedGen C1854465, MONDO:0008612, OMIM 191100.

Allele frequency attached by ClinVar (database versions not stated): gnomAD exomes below 0.00001; TOPMed below 0.00001; ExAC 0.00001.
gnomAD v4.1: 1 of 1,614,184 alleles (0.000062%); highest among the groups gnomAD compares: Non-Finnish European, 0.000085%; no homozygotes.

Submissions (4):

Labcorp Genetics (formerly Invitae), Labcorp
Classification: Likely benign for Tuberous sclerosis 1. Last evaluated: 2025-08-15. Review status: criteria provided, single submitter. Criteria: Invitae Variant Classification Sherloc (09022015). Collection method: clinical testing. Allele origin: germline.

Myriad Genetics, Inc.
Classification: Benign for Tuberous sclerosis 1. Last evaluated: 2025-04-08. Review status: criteria provided, single submitter. Criteria: Myriad Autosomal Dominant, Autosomal Recessive and X-Linked Classification Criteria (2023). Collection method: clinical testing. Allele origin: unknown.
Comment: This variant is considered benign. This variant is a silent/synonymous amino acid change and it is not expected to impact splicing.

Genome-Nilou Lab
Classification: Benign for Tuberous sclerosis 1. Last evaluated: 2021-11-07. Review status: criteria provided, single submitter. Criteria: ACMG Guidelines, 2015. Collection method: clinical testing. Allele origin: germline. Affected: no.

Ambry Genetics
Classification: Likely benign for Hereditary cancer-predisposing syndrome. Last evaluated: 2019-01-04. Review status: criteria provided, single submitter. Criteria: Ambry Variant Classification Scheme 2023. Collection method: clinical testing. Allele origin: germline.

NM_000368.5(TSC1):c.549T>C (p.Ser183=)

Gene: TSC1 (TSC complex subunit 1; minus strand). Cytogenetic location: 9q34.13.
Variant type: single nucleotide variant.
Coding change: c.549T>C on transcript NM_000368.5 (MANE Select); coding-DNA position 549, T replaced by C.
Protein change: p.Ser183=; no amino-acid change (serine 183 retained).
Molecular consequence: synonymous variant.
Genome position (GRCh38, 1-based): chr9:132,921,933, A>G on the plus strand (T>C on the coding strand, the complement: TSC1 is on the minus strand). VCF-style: chr9-132921933-A-G. GRCh37 (hg19) VCF-style: chr9-135797320-A-G.
Other names: c.549T>C, p.Ser183= (NM_001162426.2); c.396T>C, p.Ser132= (NM_001162427.2); c.186T>C, p.Ser62= (NM_001362177.2).
Identifiers: ClinVar variation 534505 (VCV000534505.16), dbSNP rs774398322, ClinGen allele CA038085.